The following is an entry in ClinVar:

ClinVar aggregate classification (germline): Uncertain significance (1 of 4 stars; one submission).

Submission:

Labcorp Genetics (formerly Invitae), Labcorp
Classification: Uncertain significance. Last evaluated: 2023-07-18. Review status: criteria provided, single submitter. Criteria: Invitae Variant Classification Sherloc (09022015). Collection method: clinical testing. Allele origin: germline.
Comment: In summary, the available evidence is currently insufficient to determine the role of this variant in disease. Therefore, it has been classified as a Variant of Uncertain Significance. Advanced modeling of protein sequence and biophysical properties (such as structural, functional, and spatial information, amino acid conservation, physicochemical variation, residue mobility, and thermodynamic stability) performed at Invitae indicates that this missense variant is not expected to disrupt FBLN5 protein function. This variant has not been reported in the literature in individuals affected with FBLN5-related conditions. This variant is not present in population databases (gnomAD no frequency). This sequence change replaces threonine, which is neutral and polar, with alanine, which is neutral and non-polar, at codon 152 of the FBLN5 protein (p.Thr152Ala).

NM_006329.4(FBLN5):c.454A>G (p.Thr152Ala)

Gene: FBLN5 (fibulin 5; minus strand). Cytogenetic location: 14q32.12.
Variant type: single nucleotide variant.
Coding change: c.454A>G on transcript NM_006329.4 (MANE Select); coding-DNA position 454, A replaced by G.
Protein change: p.Thr152Ala; replaces threonine 152 with alanine.
Molecular consequence: missense variant.
Genome position (GRCh38, 1-based): chr14:91,894,998, T>C on the plus strand (A>G on the coding strand, the complement: FBLN5 is on the minus strand). VCF-style: chr14-91894998-T-C. GRCh37 (hg19) VCF-style: chr14-92361342-T-C.
Other names: c.577A>G, p.Thr193Ala (NM_001384158.1); c.505A>G, p.Thr169Ala (NM_001384159.1); c.454A>G, p.Thr152Ala (NM_001384160.1); c.286A>G, p.Thr96Ala (NM_001384161.1, NM_001384162.1); short protein forms T96A, T169A, T152A, T193A.
Identifiers: ClinVar variation 2867779 (VCV002867779.3), dbSNP rs1890162118, ClinGen allele CA390643181.